The following is an entry in ClinVar:

NM_001372066.1(TFAP2A):c.21G>C (p.Leu7Phe)

Genes: TFAP2A (transcription factor AP-2 alpha; minus strand), TFAP2A-AS1 (TFAP2A antisense RNA 1; plus strand). Cytogenetic location: 6p24.3.
Variant type: single nucleotide variant.
Coding change: c.21G>C on transcript NM_001372066.1 (MANE Select); coding-DNA position 21, G replaced by C.
Protein change: p.Leu7Phe; replaces leucine 7 with phenylalanine.
Molecular consequence: missense variant. On other transcripts: non-coding transcript variant (1), intron variant (1).
Genome position (GRCh38, 1-based): chr6:10,414,971, C>G on the plus strand (G>C on the coding strand, the complement: TFAP2A is on the minus strand). VCF-style: chr6-10414971-C-G. GRCh37 (hg19) VCF-style: chr6-10415204-C-G.
Other names: c.33+4447G>C (NM_001042425.3); short protein forms L7F.
Identifiers: ClinVar variation 5016970 (VCV005016970.1).

ClinVar aggregate classification (germline): Uncertain significance (1 of 4 stars; one submission).

Submission:

GeneDx
Classification: Uncertain significance. Last evaluated: 2026-04-06. Review status: criteria provided, single submitter. Criteria: GeneDx Variant Classification Process June 2021. Collection method: clinical testing. Allele origin: germline.
Comment: Not observed at significant frequency in large population cohorts (gnomAD); In silico analysis suggests that this missense variant does not alter protein structure/function; Has not been previously published as pathogenic or benign to our knowledge